The following is an entry in ClinVar:

ClinVar aggregate classification (germline): Benign/Likely benign. Review status: criteria provided, multiple submitters, no conflicts (2 of 4 stars). 5 submissions from 5 submitters: Benign (1); Likely benign (4). Last evaluated 2025-02-03.

Conditions:
Hereditary cancer-predisposing syndrome. Also called: Neoplastic Syndromes, Hereditary; Tumor predisposition; Hereditary Cancer Syndrome; Hereditary neoplastic syndrome. Identifiers: Orphanet 140162, MedGen C0027672, MeSH D009386, MONDO:0015356.
Lynch syndrome 5 (LYNCH5). Also called: Colorectal cancer, hereditary nonpolyposis, type 5; Hereditary non-polyposis colorectal cancer, type 5. Identifiers: Orphanet 144, MedGen C1833477, MONDO:0013710, OMIM 614350. Disease mechanism: loss of function.
Hereditary nonpolyposis colorectal neoplasms. Identifiers: MedGen C0009405, MeSH D003123.
Lynch syndrome. Identifiers: Orphanet 144, MedGen C4552100, MONDO:0005835. Disease mechanism: loss of function.

Allele frequency attached by ClinVar (database versions not stated): gnomAD below 0.00001 and 0.00001; ExAC 0.00001; gnomAD exomes 0.00001.
gnomAD v4.1: 13 of 1,614,088 alleles (0.00081%); highest among the groups gnomAD compares: South Asian, 0.011%; no homozygotes.

Submissions (5):

Labcorp Genetics (formerly Invitae), Labcorp
Classification: Likely benign for Hereditary nonpolyposis colorectal neoplasms. Last evaluated: 2025-02-03. Review status: criteria provided, single submitter. Criteria: Invitae Variant Classification Sherloc (09022015). Collection method: clinical testing. Allele origin: germline.

Myriad Genetics, Inc.
Classification: Benign for Lynch syndrome 5. Last evaluated: 2024-12-27. Review status: criteria provided, single submitter. Criteria: Myriad Autosomal Dominant, Autosomal Recessive and X-Linked Classification Criteria (2023). Collection method: clinical testing. Allele origin: unknown.
Comment: This variant is considered benign. This variant is a silent/synonymous amino acid change and it is not expected to impact splicing.

All of Us Research Program, National Institutes of Health
Classification: Likely benign for Lynch syndrome. Last evaluated: 2024-05-09. Review status: criteria provided, single submitter. Criteria: ACMG Guidelines, 2015. Collection method: clinical testing. Allele origin: germline. Inheritance: Autosomal dominant inheritance. Observed: 1 variant allele, 1 heterozygote.
Comment: This study involves interpretation of variants in research participants for the purpose of population health screening. Participant phenotype was not available at the time of variant classification. Additional details can be found in publication PMID: 35346344, PMCID: PMC8962531

Quest Diagnostics Nichols Institute San Juan Capistrano
Classification: Likely benign. Last evaluated: 2020-04-08. Review status: criteria provided, single submitter. Criteria: Quest Diagnostics criteria. Collection method: clinical testing. Allele origin: unknown.

Color Diagnostics, LLC DBA Color Health
Classification: Likely benign for Hereditary cancer-predisposing syndrome. Last evaluated: 2019-09-09. Review status: criteria provided, single submitter. Criteria: ACMG Guidelines, 2015. Collection method: clinical testing. Allele origin: germline.

NM_000179.3(MSH6):c.1836A>G (p.Ser612=)

Gene: MSH6 (mutS homolog 6; plus strand). Cytogenetic location: 2p16.3.
Variant type: single nucleotide variant.
Coding change: c.1836A>G on transcript NM_000179.3 (MANE Select); coding-DNA position 1836, A replaced by G.
Protein change: p.Ser612=; no amino-acid change (serine 612 retained).
Molecular consequence: synonymous variant.
Genome position (GRCh38, 1-based): chr2:47,799,819, A>G. VCF-style: chr2-47799819-A-G. GRCh37 (hg19) VCF-style: chr2-48026958-A-G.
Other names: c.1446A>G, p.Ser482= (NM_001281492.2); c.930A>G, p.Ser310= (NM_001281493.2, NM_001281494.2).
Identifiers: ClinVar variation 924816 (VCV000924816.14), dbSNP rs779035516, ClinGen allele CA068183.